The following is an entry in ClinVar:

ClinVar aggregate classification (germline): Uncertain significance (1 of 4 stars; one submission).

Submission:

Dasa
Classification: Uncertain significance. Last evaluated: 2025-07-29. Review status: criteria provided, single submitter. Criteria: DASA Assertion Criteria. Collection method: clinical testing. Allele origin: germline.
Comment: NM_003482.4(KMT2D):c.15599A>G (p.His5200Arg) is a missense variant that results in the substitution of histidine with arginine. This variant is absent from population databases. Computational prediction algorithms are consistent with a deleterious effect. The currently available literature and clinical evidence are not sufficient to establish a definitive association between this variant and the reported condition. Therefore, this variant is classified as a variant of uncertain significance.

NM_003482.4(KMT2D):c.15599A>G (p.His5200Arg)

Gene: KMT2D (lysine methyltransferase 2D; minus strand). Cytogenetic location: 12q13.12.
Variant type: single nucleotide variant.
Coding change: c.15599A>G on transcript NM_003482.4 (MANE Select); coding-DNA position 15599, A replaced by G.
Protein change: p.His5200Arg; replaces histidine 5200 with arginine.
Molecular consequence: missense variant.
Genome position (GRCh38, 1-based): chr12:49,026,367, T>C on the plus strand (A>G on the coding strand, the complement: KMT2D is on the minus strand). VCF-style: chr12-49026367-T-C. GRCh37 (hg19) VCF-style: chr12-49420150-T-C.
Other names: short protein forms H5200R.
Identifiers: ClinVar variation 4882721 (VCV004882721.2).